The following is an entry in ClinVar:

ClinVar aggregate classification (germline): Uncertain significance (1 of 4 stars; one submission).

Conditions:
Immunoglobulin-mediated membranoproliferative glomerulonephritis. Also called: NEPHROTIC SYNDROME, TYPE 7, WITH MEMBRANOPROLIFERATIVE GLOMERULONEPHRITIS; Nephrotic syndrome, type 7. Identifiers: Orphanet 329903, MedGen C3554330, MONDO:0014005, OMIM 615008.
Mesangiocapillary glomerulonephritis. Also called: Membranoproliferative glomerulonephritis. Identifiers: MedGen C0017662, MONDO:0002461, HP:0000793.

gnomAD v4.1: 3 of 1,614,036 alleles (0.00019%); highest among the groups gnomAD compares: Admixed American, 0.0017%; no homozygotes.

Submission:

Genomenon, Inc
Classification: Uncertain significance for Primary membranoproliferative glomerulonephritis. Last evaluated: 2025-09-26. Review status: criteria provided, single submitter. Criteria: Genomenon Sequence Variant Interpretation Standards - Updated. Collection method: curation. Allele origin: germline. Affected: no.
Comment: DGKE p.Val332Leu (c.994G>C) is a missense variant that changes the amino acid at residue 332 from Valine to Leucine. This variant has been reported in the published literature (PMID:38343496). It is absent or not present at a significant frequency in gnomAD. In silico models agree that this variant is not damaging. In conclusion, we classify DGKE p.Val332Leu (c.994G>C) as a variant of uncertain significance.

Literature cited by the submitters: PubMed 38343496.

NM_003647.3(DGKE):c.994G>C (p.Val332Leu)

Gene: DGKE (diacylglycerol kinase epsilon; plus strand). Cytogenetic location: 17q22.
Variant type: single nucleotide variant.
Coding change: c.994G>C on transcript NM_003647.3 (MANE Select); coding-DNA position 994, G replaced by C.
Protein change: p.Val332Leu; replaces valine 332 with leucine.
Molecular consequence: missense variant.
Genome position (GRCh38, 1-based): chr17:56,848,801, G>C. VCF-style: chr17-56848801-G-C. GRCh37 (hg19) VCF-style: chr17-54926162-G-C.
Other names: short protein forms V332L.
Identifiers: ClinVar variation 4280370 (VCV004280370.1).